The following is an entry in ClinVar:

ClinVar aggregate classification (germline): Pathogenic (1 of 4 stars; one submission).

Allele frequency attached by ClinVar (database versions not stated): TOPMed below 0.00001; gnomAD 0.00001.

Submission:

Labcorp Genetics (formerly Invitae), Labcorp
Classification: Pathogenic. Last evaluated: 2021-10-02. Review status: criteria provided, single submitter. Criteria: Invitae Variant Classification Sherloc (09022015). Collection method: clinical testing. Allele origin: germline.
Comment: For these reasons, this variant has been classified as Pathogenic. Algorithms developed to predict the effect of sequence changes on RNA splicing suggest that this variant may create or strengthen a splice site. This variant has not been reported in the literature in individuals affected with GFM1-related conditions. This variant is not present in population databases (ExAC no frequency). This sequence change creates a premature translational stop signal (p.Tyr688*) in the GFM1 gene. It is expected to result in an absent or disrupted protein product. Loss-of-function variants in GFM1 are known to be pathogenic (PMID: 16632485, 17160893).

Literature cited by the submitters: PubMed 16632485; PubMed 17160893.

NM_024996.7(GFM1):c.2064del (p.Leu687_Tyr688insTer)

Gene: GFM1 (G elongation factor mitochondrial 1; plus strand). Cytogenetic location: 3q25.32.
Variant type: Deletion.
Coding change: c.2064del on transcript NM_024996.7 (MANE Select); coding-DNA position 2064, one base deleted (T; older notation c.2064delT).
Protein change: p.Leu687_Tyr688insTer.
Molecular consequence: nonsense. On other transcripts: non-coding transcript variant (4).
Genome position (GRCh38, 1-based): chr3:158,690,317, T deleted. VCF-style (leftmost placement, unchanged base first): chr3-158690316-AT-A. GRCh37 (hg19) VCF-style: chr3-158408105-AT-A.
Other names: c.2121del, p.Leu706_Tyr707insTer (NM_001308164.2); c.1983del, p.Leu660_Tyr661insTer (NM_001374355.1); c.1947del, p.Leu648_Tyr649insTer (NM_001374356.1); c.1839del, p.Leu612_Tyr613insTer (NM_001374357.1); c.1605del, p.Leu534_Tyr535insTer (NM_001374358.1); c.1497del, p.Leu498_Tyr499insTer (NM_001374359.1, NM_001374360.1); c.1380del, p.Leu459_Tyr460insTer (NM_001374361.1).
Identifiers: ClinVar variation 1456222 (VCV001456222.6), dbSNP rs1726209700, ClinGen allele CA1055459434.